The following is an entry in ClinVar:

NM_003244.2(TGIF1):c.-2617T>C

Gene: TGIF1 (TGFB induced factor homeobox 1; plus strand). Cytogenetic location: 18p11.31.
Variant type: single nucleotide variant.
Coding change: c.-2617T>C on transcript NM_003244.2; 2617 bases upstream of the start codon, T replaced by C.
Molecular consequence: intron variant (on NM_174886.3).
Genome position (GRCh38, 1-based): chr18:3,447,873, T>C. VCF-style: chr18-3447873-T-C. GRCh37 (hg19) VCF-style: chr18-3447871-T-C.
Other names: c.-44-8481T>C (NM_174886.3, NM_001278686.3); c.58+76T>C (NM_173207.4).
Identifiers: ClinVar variation 674961 (VCV000674961.4), dbSNP rs151472, ClinGen allele CA14555418.
Genomic context (GRCh38, chr18:3,447,873, plus strand): 5'-CGTTTTTTCCTCCCCCTAATTCGAAAGAGGCTTTCAATTGTCTCCGCCCCTCCCCCCTTC[T>C]CCTGGAAAGTTTGTTTTCAAGCTATAAACCCTTTCCAATTCTCGGTTCCCATCTCGGTTG-3'

ClinVar aggregate classification (germline): Benign. Review status: criteria provided, multiple submitters, no conflicts (2 of 4 stars). 2 submissions from 2 submitters: Benign (2). Last evaluated 2018-06-14.

Allele frequency attached by ClinVar (database versions not stated): 1000 Genomes Project 0.63319; 1000 Genomes Project 30x 0.64616; gnomAD 0.73409 and 0.75018; gnomAD exomes 0.68530; TOPMed 0.73517.
gnomAD v4.1: 1,087,635 of 1,577,428 alleles (69%); highest among the groups gnomAD compares: African/African-American, 92%; 382,802 homozygotes.

Submissions (2):

GeneDx
Classification: Benign. Last evaluated: 2018-06-14. Review status: criteria provided, single submitter. Criteria: GeneDx Variant Classification (06012015). Collection method: clinical testing. Allele origin: germline. Affected: yes.
Comment: This variant is considered likely benign or benign based on one or more of the following criteria: it is a conservative change, it occurs at a poorly conserved position in the protein, it is predicted to be benign by multiple in silico algorithms, and/or has population frequency not consistent with disease.

Breakthrough Genomics
Classification: Benign. Review status: criteria provided, single submitter. Criteria: ACMG Guidelines, 2015. Collection method: not provided. Allele origin: germline. Inheritance: Autosomal dominant inheritance. Affected: yes.